The following is an entry in ClinVar:

NM_001374736.1(DST):c.360C>T (p.Ser120=)

Gene: DST (dystonin; minus strand). Cytogenetic location: 6p12.1.
Variant type: single nucleotide variant.
Coding change: c.360C>T on transcript NM_001374736.1 (MANE Select); coding-DNA position 360, C replaced by T.
Protein change: p.Ser120=; no amino-acid change (serine 120 retained).
Molecular consequence: synonymous variant. On other transcripts: genic upstream transcript variant (1).
Genome position (GRCh38, 1-based): chr6:56,900,478, G>A on the plus strand (C>T on the coding strand, the complement: DST is on the minus strand). VCF-style: chr6-56900478-G-A. GRCh37 (hg19) VCF-style: chr6-56765276-G-A.
Other names: c.360C>T, p.Ser120= (NM_001144769.5, NM_001374722.1); c.387C>T, p.Ser129= (NM_001374734.1); c.-257690C>T (NM_001723.7).
Identifiers: ClinVar variation 4688769 (VCV004688769.1).

ClinVar aggregate classification (germline): Uncertain significance (1 of 4 stars; one submission).

gnomAD v4.1: 35 of 1,367,722 alleles (0.0026%); highest among the groups gnomAD compares: Middle Eastern, 0.084%; no homozygotes.

Submission:

Women's Health and Genetics/Laboratory Corporation of America, LabCorp
Classification: Uncertain significance. Last evaluated: 2025-12-26. Review status: criteria provided, single submitter. Criteria: LabCorp Variant Classification Summary - May 2015. Collection method: clinical testing. Allele origin: germline.
Comment: Variant summary: DST c.-257690C>T is located in the untranscribed region upstream of the DST gene region, and results in a synonymous change in another transcript (NM_001144769.3 c.360C>T, p.Ser120=) . Consensus agreement among computation tools predict no significant impact on normal splicing. However, these predictions have yet to be confirmed by functional studies. The variant allele was found at a frequency of 4e-05 in 248874 control chromosomes (gnomAD). This frequency is not significantly higher than estimated for disease-causing variants in DST, allowing no conclusion about variant significance. To our knowledge, no occurrence of c.-257690C>T in individuals affected with DST-related conditions and no experimental evidence demonstrating its impact on protein function have been reported. No submitters have cited clinical-significance assessments for this variant to ClinVar. Based on the evidence outlined above, the variant was classified as uncertain significance.